The following is an entry in ClinVar:

ClinVar aggregate classification (germline): Uncertain significance (1 of 4 stars; one submission).

gnomAD v4.1: 4 of 1,614,050 alleles (0.00025%); highest among the groups gnomAD compares: South Asian, 0.0033%; no homozygotes.

Submission:

Labcorp Genetics (formerly Invitae), Labcorp
Classification: Uncertain significance. Last evaluated: 2022-10-13. Review status: criteria provided, single submitter. Criteria: Invitae Variant Classification Sherloc (09022015). Collection method: clinical testing. Allele origin: germline.
Comment: In summary, the available evidence is currently insufficient to determine the role of this variant in disease. Therefore, it has been classified as a Variant of Uncertain Significance. This variant is present in population databases (rs147694380, gnomAD 0.01%). Advanced modeling of protein sequence and biophysical properties (such as structural, functional, and spatial information, amino acid conservation, physicochemical variation, residue mobility, and thermodynamic stability) has been performed at Invitae for this missense variant, however the output from this modeling did not meet the statistical confidence thresholds required to predict the impact of this variant on CSGALNACT1 protein function. This variant has not been reported in the literature in individuals affected with CSGALNACT1-related conditions. This sequence change replaces arginine, which is basic and polar, with tryptophan, which is neutral and slightly polar, at codon 77 of the CSGALNACT1 protein (p.Arg77Trp).

NM_001354483.2(CSGALNACT1):c.229C>T (p.Arg77Trp)

Gene: CSGALNACT1 (chondroitin sulfate N-acetylgalactosaminyltransferase 1; minus strand). Cytogenetic location: 8p21.3.
Variant type: single nucleotide variant.
Coding change: c.229C>T on transcript NM_001354483.2 (MANE Select); coding-DNA position 229, C replaced by T.
Protein change: p.Arg77Trp; replaces arginine 77 with tryptophan.
Molecular consequence: missense variant. On other transcripts: non-coding transcript variant (7).
Genome position (GRCh38, 1-based): chr8:19,505,606, G>A on the plus strand (C>T on the coding strand, the complement: CSGALNACT1 is on the minus strand). VCF-style: chr8-19505606-G-A. GRCh37 (hg19) VCF-style: chr8-19363117-G-A.
Other names: c.229C>T, p.Arg77Trp (NM_001130518.2, NM_001354475.2, NM_001354476.2 and 18 more transcripts); short protein forms R77W.
Identifiers: ClinVar variation 2123903 (VCV002123903.4), dbSNP rs147694380, ClinGen allele CA4654315.
Genomic context (GRCh38, chr8:19,505,606, plus strand): 5'-GCCCATTCCTGAGCTGCTCACTCCTCTCCTGCAGCTCCTCCTTGAGCTGTGCGATCTGCC[G>A]CTTCAGGCTGCTCACGTAGTTGCGGTGCTGCTCCTCCCACTCCTGAAGGACGGCCTGGTA-3'
Protein context (NP_001341412.1, residues 67-87): QHRNYVSSLK[Arg77Trp]QIAQLKEELQ